The following is an entry in ClinVar:

ClinVar aggregate classification (germline): Uncertain significance (1 of 4 stars; one submission).

Conditions:
Cardiovascular phenotype. Identifiers: MedGen CN230736.

Allele frequency attached by ClinVar (database versions not stated): gnomAD 0.00001; TOPMed 0.00001.
gnomAD v4.1: 1 of 1,551,148 alleles (0.000064%); highest among the groups gnomAD compares: African/African-American, 0.0014%; no homozygotes.

Submission:

Ambry Genetics
Classification: Uncertain significance for Cardiovascular phenotype. Last evaluated: 2024-12-17. Review status: criteria provided, single submitter. Criteria: Ambry Variant Classification Scheme 2023. Collection method: clinical testing. Allele origin: germline.
Comment: The p.G10R variant (also known as c.28G>A), located in coding exon 1 of the ABCG8 gene, results from a G to A substitution at nucleotide position 28. The glycine at codon 10 is replaced by arginine, an amino acid with dissimilar properties. This amino acid position is conserved. In addition, this alteration is predicted to be tolerated by in silico analysis. Since supporting evidence is limited at this time, the clinical significance of this alteration remains unclear.

NM_022437.3(ABCG8):c.28G>A (p.Gly10Arg)

Genes: ABCG5 (ATP binding cassette subfamily G member 5; minus strand), ABCG8 (ATP binding cassette subfamily G member 8; plus strand). Cytogenetic location: 2p21.
Variant type: single nucleotide variant.
Coding change: c.28G>A on transcript NM_022437.3 (MANE Select); coding-DNA position 28, G replaced by A.
Protein change: p.Gly10Arg; replaces glycine 10 with arginine.
Molecular consequence: missense variant.
Genome position (GRCh38, 1-based): chr2:43,839,081, G>A. VCF-style: chr2-43839081-G-A. GRCh37 (hg19) VCF-style: chr2-44066220-G-A.
Other names: c.28G>A, p.Gly10Arg (NM_001357321.2); short protein forms G10R.
Identifiers: ClinVar variation 1797428 (VCV001797428.3), dbSNP rs1171068014, ClinGen allele CA346662474.